The following is an entry in ClinVar:

NM_001330078.2(NRXN1):c.3118C>G (p.Pro1040Ala)

Gene: NRXN1 (neurexin 1; minus strand). Cytogenetic location: 2p16.3.
Variant type: single nucleotide variant.
Coding change: c.3118C>G on transcript NM_001330078.2 (MANE Select); coding-DNA position 3118, C replaced by G.
Protein change: p.Pro1040Ala; replaces proline 1040 with alanine.
Molecular consequence: missense variant.
Genome position (GRCh38, 1-based): chr2:50,472,424, G>C on the plus strand (C>G on the coding strand, the complement: NRXN1 is on the minus strand). VCF-style: chr2-50472424-G-C. GRCh37 (hg19) VCF-style: chr2-50699562-G-C.
Other names: c.3238C>G, p.Pro1080Ala (NM_001135659.3); c.3094C>G, p.Pro1032Ala (NM_001330077.2, NM_001330082.2); c.3052C>G, p.Pro1018Ala (NM_001330083.2, NM_001330084.2); c.3091C>G, p.Pro1031Ala (NM_001330085.2); c.3118C>G, p.Pro1040Ala (NM_001330086.2, NM_004801.6); c.3007C>G, p.Pro1003Ala (NM_001330087.2, NM_001330096.2); c.3037C>G, p.Pro1013Ala (NM_001330088.2); c.3115C>G, p.Pro1039Ala (NM_001330093.2); and 2 more; short protein forms P1031A, P1023A, P1040A, P1003A, P1032A, P1036A, P1039A, P1013A.
Identifiers: ClinVar variation 1379516 (VCV001379516.6), dbSNP rs755865232, ClinGen allele CA346772582.

ClinVar aggregate classification (germline): Uncertain significance (1 of 4 stars; one submission).

Conditions:
Pitt-Hopkins-like syndrome 2 (PTHSL2). Identifiers: Orphanet 221150, Orphanet 600663, MedGen C3280479, MONDO:0013690, OMIM 614325.

Allele frequency attached by ClinVar (database versions not stated): gnomAD 0.00001; TOPMed 0.00001.
gnomAD v4.1: 6 of 1,612,062 alleles (0.00037%); highest among the groups gnomAD compares: Admixed American, 0.0017%; no homozygotes.

Submission:

Labcorp Genetics (formerly Invitae), Labcorp
Classification: Uncertain significance for Pitt-Hopkins-like syndrome 2. Last evaluated: 2022-07-12. Review status: criteria provided, single submitter. Criteria: Invitae Variant Classification Sherloc (09022015). Collection method: clinical testing. Allele origin: germline.
Comment: This sequence change replaces proline, which is neutral and non-polar, with alanine, which is neutral and non-polar, at codon 1080 of the NRXN1 protein (p.Pro1080Ala). This variant is present in population databases (no rsID available, gnomAD 0.003%). This variant has not been reported in the literature in individuals affected with NRXN1-related conditions. ClinVar contains an entry for this variant (Variation ID: 1379516). Algorithms developed to predict the effect of missense changes on protein structure and function are either unavailable or do not agree on the potential impact of this missense change (SIFT: "Deleterious"; PolyPhen-2: "Probably Damaging"; Align-GVGD: "Class C0"). In summary, the available evidence is currently insufficient to determine the role of this variant in disease. Therefore, it has been classified as a Variant of Uncertain Significance.